The following is an entry in ClinVar:

NM_000080.4(CHRNE):c.250del (p.Arg84fs)

Genes: C17orf107 (chromosome 17 open reading frame 107; plus strand), CHRNE (cholinergic receptor nicotinic epsilon subunit; minus strand). Cytogenetic location: 17p13.2.
Variant type: Deletion.
Coding change: c.250del on transcript NM_000080.4 (MANE Select); coding-DNA position 250, one base deleted (C; older notation c.250delC).
Protein change: p.Arg84fs; shifts the reading frame from arginine 84.
Molecular consequence: frameshift variant. On other transcripts: 3 prime UTR variant (1).
Genome position (GRCh38, 1-based): chr17:4,902,311, G deleted on the plus strand (C on the coding strand, the reverse complement: CHRNE is on the minus strand); the first of 2 consecutive G bases (chr17:4,902,311-4,902,312); deleting either gives the same sequence. VCF-style (leftmost placement, unchanged base first): chr17-4902310-CG-C. GRCh37 (hg19) VCF-style: chr17-4805605-CG-C.
Other names: c.250del (NM_000080.3); c.*1779del (NM_001145536.2); short protein forms R84fs.
Identifiers: ClinVar variation 465861 (VCV000465861.8), dbSNP rs1555547003, ClinGen allele CA658658529.

ClinVar aggregate classification (germline): Pathogenic (1 of 4 stars; one submission).

Conditions:
Congenital myasthenic syndrome 4A. Also called: CONGENITAL MYASTHENIC SYNDROME TYPE Ia1; MYASTHENIC SYNDROME, CONGENITAL, 4A, SLOW-CHANNEL, AUTOSOMAL RECESSIVE; Myasthenic syndrome, congenital, 4a, slow-channel. Identifiers: Orphanet 590, MedGen C4225413, MONDO:0011600, OMIM 605809.

Submission:

Labcorp Genetics (formerly Invitae), Labcorp
Classification: Pathogenic for Congenital myasthenic syndrome 4A. Last evaluated: 2022-07-19. Review status: criteria provided, single submitter. Criteria: Invitae Variant Classification Sherloc (09022015). Collection method: clinical testing. Allele origin: germline.
Comment: For these reasons, this variant has been classified as Pathogenic. ClinVar contains an entry for this variant (Variation ID: 465861). This variant has not been reported in the literature in individuals affected with CHRNE-related conditions. This variant is not present in population databases (gnomAD no frequency). This sequence change creates a premature translational stop signal (p.Arg84Aspfs*12) in the CHRNE gene. It is expected to result in an absent or disrupted protein product. Loss-of-function variants in CHRNE are known to be pathogenic (PMID: 22678886).

Literature cited by the submitters: PubMed 22678886.